The following is an entry in ClinVar:

NM_006084.5(IRF9):c.1008T>A (p.Phe336Leu)

Gene: IRF9 (interferon regulatory factor 9; plus strand). Cytogenetic location: 14q12.
Variant type: single nucleotide variant.
Coding change: c.1008T>A on transcript NM_006084.5 (MANE Select); coding-DNA position 1008, T replaced by A.
Protein change: p.Phe336Leu; replaces phenylalanine 336 with leucine.
Molecular consequence: missense variant.
Genome position (GRCh38, 1-based): chr14:24,165,863, T>A. VCF-style: chr14-24165863-T-A. GRCh37 (hg19) VCF-style: chr14-24635072-T-A.
Other names: c.1162T>A, p.Ser388Thr (NM_001385400.1); c.1035T>A, p.Phe345Leu (NM_001385401.1); c.745T>A, p.Ser249Thr (NM_001385402.1); short protein forms F345L, S249T, S388T, F336L.
Identifiers: ClinVar variation 1964983 (VCV001964983.5), dbSNP rs137918879, ClinGen allele CA7126639.

ClinVar aggregate classification (germline): Uncertain significance (1 of 4 stars; one submission).

Allele frequency attached by ClinVar (database versions not stated): ExAC 0.00001; TOPMed 0.00005; gnomAD 0.00001; ESP Exome Variant Server 0.00008.
gnomAD v4.1: 2 of 1,613,880 alleles (0.00012%); highest among the groups gnomAD compares: African/African-American, 0.0027%; no homozygotes.

Submission:

Labcorp Genetics (formerly Invitae), Labcorp
Classification: Uncertain significance. Last evaluated: 2025-05-14. Review status: criteria provided, single submitter. Criteria: Invitae Variant Classification Sherloc (09022015). Collection method: clinical testing. Allele origin: germline.
Comment: This sequence change replaces phenylalanine, which is neutral and non-polar, with leucine, which is neutral and non-polar, at codon 336 of the IRF9 protein (p.Phe336Leu). This variant is not present in population databases (gnomAD no frequency). This variant has not been reported in the literature in individuals affected with IRF9-related conditions. ClinVar contains an entry for this variant (Variation ID: 1964983). An algorithm developed to predict the effect of missense changes on protein structure and function outputs the following: PolyPhen-2: "Benign". The leucine amino acid residue is found in multiple mammalian species, which suggests that this missense change does not adversely affect protein function. In summary, the available evidence is currently insufficient to determine the role of this variant in disease. Therefore, it has been classified as a Variant of Uncertain Significance.